The following is an entry in ClinVar:

ClinVar aggregate classification (germline): Uncertain significance (1 of 4 stars; one submission).

Conditions:
Adams-Oliver syndrome 5 (AOS5). Identifiers: Orphanet 974, MedGen C4014970, MONDO:0014459, OMIM 616028.

gnomAD v4.1: 1 of 1,613,018 alleles (0.000062%); highest among the groups gnomAD compares: South Asian, 0.0011%; no homozygotes.

Submission:

Labcorp Genetics (formerly Invitae), Labcorp
Classification: Uncertain significance for Adams-Oliver syndrome 5. Last evaluated: 2025-03-16. Review status: criteria provided, single submitter. Criteria: Invitae Variant Classification Sherloc (09022015). Collection method: clinical testing. Allele origin: germline.
Comment: This sequence change replaces aspartic acid, which is acidic and polar, with asparagine, which is neutral and polar, at codon 643 of the NOTCH1 protein (p.Asp643Asn). This variant is not present in population databases (gnomAD no frequency). This variant has not been reported in the literature in individuals affected with NOTCH1-related conditions. Invitae Evidence Modeling of protein sequence and biophysical properties (such as structural, functional, and spatial information, amino acid conservation, physicochemical variation, residue mobility, and thermodynamic stability) indicates that this missense variant is not expected to disrupt NOTCH1 protein function with a negative predictive value of 95%. In summary, the available evidence is currently insufficient to determine the role of this variant in disease. Therefore, it has been classified as a Variant of Uncertain Significance.

NM_017617.5(NOTCH1):c.1927G>A (p.Asp643Asn)

Gene: NOTCH1 (notch receptor 1; minus strand). Cytogenetic location: 9q34.3.
Variant type: single nucleotide variant.
Coding change: c.1927G>A on transcript NM_017617.5 (MANE Select); coding-DNA position 1927, G replaced by A.
Protein change: p.Asp643Asn; replaces aspartic acid 643 with asparagine.
Molecular consequence: missense variant.
Genome position (GRCh38, 1-based): chr9:136,515,377, C>T on the plus strand (G>A on the coding strand, the complement: NOTCH1 is on the minus strand). VCF-style: chr9-136515377-C-T. GRCh37 (hg19) VCF-style: chr9-139409829-C-T.
Other names: short protein forms D643N.
Identifiers: ClinVar variation 3617890 (VCV003617890.2).